The following is an entry in ClinVar:

NM_020297.4(ABCC9):c.2751A>G (p.Gln917=)

Gene: ABCC9 (ATP binding cassette subfamily C member 9; minus strand). Cytogenetic location: 12p12.1.
Variant type: single nucleotide variant.
Coding change: c.2751A>G on transcript NM_020297.4 (MANE Select); coding-DNA position 2751, A replaced by G.
Protein change: p.Gln917=; no amino-acid change (glutamine 917 retained).
Molecular consequence: synonymous variant.
Genome position (GRCh38, 1-based): chr12:21,852,115, T>C on the plus strand (A>G on the coding strand, the complement: ABCC9 is on the minus strand). VCF-style: chr12-21852115-T-C. GRCh37 (hg19) VCF-style: chr12-22005049-T-C.
Other names: c.2751A>G, p.Gln917= (NM_001377273.1, NM_005691.4); c.1884A>G, p.Gln628= (NM_001377274.1); c.2751A>G (NM_020297.3, NM_005691.2).
Identifiers: ClinVar variation 1476991 (VCV001476991.9), dbSNP rs1285639817, ClinGen allele CA478871835.

ClinVar aggregate classification (germline): Likely benign. Review status: criteria provided, multiple submitters, no conflicts (2 of 4 stars). 3 submissions from 3 submitters: Likely benign (2). 1 of the submissions does not count toward it. Last evaluated 2025-08-03.

Conditions:
Cardiovascular phenotype. Identifiers: MedGen CN230736.
Dilated cardiomyopathy 1O (CMD1O). Also called: CARDIOMYOPATHY, DILATED, WITH VENTRICULAR TACHYCARDIA. Identifiers: Orphanet 154, MedGen C1837839, MONDO:0012062, OMIM 608569.
ABCC9-related disorder. Also called: ABCC9-related condition; ABCC9-related disorders.

Allele frequency attached by ClinVar (database versions not stated): gnomAD exomes below 0.00001 and 0.00001.
gnomAD v4.1: 14 of 1,613,766 alleles (0.00087%); highest among the groups gnomAD compares: Non-Finnish European, 0.0012%; no homozygotes.

Submissions (3):

Ambry Genetics
Classification: Likely benign for Cardiovascular phenotype. Last evaluated: 2025-08-03. Review status: criteria provided, single submitter. Criteria: Ambry Variant Classification Scheme 2023. Collection method: clinical testing. Allele origin: germline.

Labcorp Genetics (formerly Invitae), Labcorp
Classification: Likely benign for Dilated cardiomyopathy 1O. Last evaluated: 2024-10-22. Review status: criteria provided, single submitter. Criteria: Invitae Variant Classification Sherloc (09022015). Collection method: clinical testing. Allele origin: germline.

PreventionGenetics, part of Exact Sciences
Classification: Likely benign for ABCC9-related condition. Last evaluated: 2019-07-11. Review status: no assertion criteria provided. Collection method: clinical testing. Allele origin: germline. Not counted in ClinVar's aggregate classification.
Comment: This variant is classified as likely benign based on ACMG/AMP sequence variant interpretation guidelines (Richards et al. 2015 PMID: 25741868, with internal and published modifications).